The following is an entry in ClinVar:

ClinVar aggregate classification (germline): Uncertain significance (1 of 4 stars; one submission).

Allele frequency attached by ClinVar (database versions not stated): gnomAD 0.00003; TOPMed 0.00007; 1000 Genomes Project 30x 0.00031.
gnomAD v4.1: 17 of 1,273,602 alleles (0.0013%); highest among the groups gnomAD compares: East Asian, 0.046%; no homozygotes.

Submission:

Labcorp Genetics (formerly Invitae), Labcorp
Classification: Uncertain significance. Last evaluated: 2025-09-04. Review status: criteria provided, single submitter. Criteria: Invitae Variant Classification Sherloc (09022015). Collection method: clinical testing. Allele origin: germline.
Comment: This sequence change affects codon 299 of the FOXC2 mRNA. It is a 'silent' change, meaning that it does not change the encoded amino acid sequence of the FOXC2 protein. This variant is not present in population databases (gnomAD no frequency). This variant has not been reported in the literature in individuals affected with FOXC2-related conditions. ClinVar contains an entry for this variant (Variation ID: 2900908). In summary, the available evidence is currently insufficient to determine the role of this variant in disease. Therefore, it has been classified as a Variant of Uncertain Significance.

NM_005251.3(FOXC2):c.897G>T (p.Pro299=)

Gene: FOXC2 (forkhead box C2; plus strand). Cytogenetic location: 16q24.1.
Variant type: single nucleotide variant.
Coding change: c.897G>T on transcript NM_005251.3 (MANE Select); coding-DNA position 897, G replaced by T.
Protein change: p.Pro299=; no amino-acid change (proline 299 retained).
Molecular consequence: synonymous variant.
Genome position (GRCh38, 1-based): chr16:86,568,232, G>T. VCF-style: chr16-86568232-G-T. GRCh37 (hg19) VCF-style: chr16-86601838-G-T.
Identifiers: ClinVar variation 2900908 (VCV002900908.3), dbSNP rs762234991, ClinGen allele CA8218406.